The following is an entry in ClinVar:

NM_014159.7(SETD2):c.4048T>A (p.Ser1350Thr)

Gene: SETD2 (SET domain containing 2, histone lysine methyltransferase; minus strand). Cytogenetic location: 3p21.31.
Variant type: single nucleotide variant.
Coding change: c.4048T>A on transcript NM_014159.7 (MANE Select); coding-DNA position 4048, T replaced by A.
Protein change: p.Ser1350Thr; replaces serine 1350 with threonine.
Molecular consequence: missense variant. On other transcripts: non-coding transcript variant (1).
Genome position (GRCh38, 1-based): chr3:47,120,588, A>T on the plus strand (T>A on the coding strand, the complement: SETD2 is on the minus strand). VCF-style: chr3-47120588-A-T. GRCh37 (hg19) VCF-style: chr3-47162078-A-T.
Other names: c.3916T>A, p.Ser1306Thr (NM_001349370.3); short protein forms S1306T, S1350T.
Identifiers: ClinVar variation 2435860 (VCV002435860.6), dbSNP rs2043034027, ClinGen allele CA352518988.

ClinVar aggregate classification (germline): Uncertain significance. Review status: criteria provided, multiple submitters, no conflicts (2 of 4 stars). 2 submissions from 2 submitters: Uncertain significance (2). Last evaluated 2025-01-27.

Conditions:
Luscan-Lumish syndrome. Identifiers: Orphanet 597738, MedGen C4085873, MONDO:0014791, OMIM 616831.

Allele frequency attached by ClinVar (database versions not stated): TOPMed below 0.00001.

Submissions (2):

Labcorp Genetics (formerly Invitae), Labcorp
Classification: Uncertain significance for Luscan-Lumish syndrome. Last evaluated: 2025-01-27. Review status: criteria provided, single submitter. Criteria: Invitae Variant Classification Sherloc (09022015). Collection method: clinical testing. Allele origin: germline.
Comment: This sequence change replaces serine, which is neutral and polar, with threonine, which is neutral and polar, at codon 1350 of the SETD2 protein (p.Ser1350Thr). This variant is not present in population databases (gnomAD no frequency). This variant has not been reported in the literature in individuals affected with SETD2-related conditions. ClinVar contains an entry for this variant (Variation ID: 2435860). Invitae Evidence Modeling of protein sequence and biophysical properties (such as structural, functional, and spatial information, amino acid conservation, physicochemical variation, residue mobility, and thermodynamic stability) indicates that this missense variant is not expected to disrupt SETD2 protein function with a negative predictive value of 80%. In summary, the available evidence is currently insufficient to determine the role of this variant in disease. Therefore, it has been classified as a Variant of Uncertain Significance.

Revvity Omics, Revvity
Classification: Uncertain significance. Last evaluated: 2019-02-20. Review status: criteria provided, single submitter. Criteria: ACMG Guidelines, 2015. Collection method: clinical testing. Allele origin: germline.